The following is an entry in ClinVar:

NM_007373.4(SHOC2):c.1328G>C (p.Gly443Ala)

Gene: SHOC2 (SHOC2 leucine rich repeat scaffold protein; plus strand). Cytogenetic location: 10q25.2.
Variant type: single nucleotide variant.
Coding change: c.1328G>C on transcript NM_007373.4 (MANE Select); coding-DNA position 1328, G replaced by C.
Protein change: p.Gly443Ala; replaces glycine 443 with alanine.
Molecular consequence: missense variant. On other transcripts: non-coding transcript variant (1).
Genome position (GRCh38, 1-based): chr10:111,009,291, G>C. VCF-style: chr10-111009291-G-C. GRCh37 (hg19) VCF-style: chr10-112769049-G-C.
Other names: c.1190G>C, p.Gly397Ala (NM_001269039.3, NM_001441186.1); c.1328G>C, p.Gly443Ala (NM_001324336.2, NM_001324337.2, NM_001441184.1 and 2 more transcripts); c.659G>C, p.Gly220Ala (NM_001441188.1); c.245G>C, p.Gly82Ala (NM_001441189.1, NM_001441190.1, NM_001441191.1); short protein forms G397A, G443A, G82A, G220A.
Identifiers: ClinVar variation 5002257 (VCV005002257.1).

ClinVar aggregate classification (germline): Uncertain significance (1 of 4 stars; one submission).

Conditions:
SHOC2-related disorder. Also called: SHOC2-related condition.

Submission:

PreventionGenetics, part of Exact Sciences
Classification: Uncertain significance for SHOC2-related condition. Last evaluated: 2024-12-10. Review status: criteria provided, single submitter. Criteria: ACMG Guidelines, 2015. Collection method: clinical testing. Allele origin: germline.
Comment: The SHOC2 c.1328G>C variant is predicted to result in the amino acid substitution p.Gly443Ala. To our knowledge, this variant has not been reported in the literature or in a large population database (gnomAD), indicating this variant is rare. At this time, the clinical significance of this variant is uncertain due to the absence of conclusive functional and genetic evidence.